The following is an entry in ClinVar:

ClinVar aggregate classification (germline): Uncertain significance (1 of 4 stars; one submission).

Conditions:
Developmental and epileptic encephalopathy, 30 (DEE30). Also called: Epileptic encephalopathy, early infantile, 30. Identifiers: MedGen C4225360, MONDO:0014595, OMIM 616341.

Submission:

Labcorp Genetics (formerly Invitae), Labcorp
Classification: Uncertain significance for Developmental and epileptic encephalopathy, 30. Last evaluated: 2022-08-22. Review status: criteria provided, single submitter. Criteria: Invitae Variant Classification Sherloc (09022015). Collection method: clinical testing. Allele origin: germline.
Comment: This sequence change replaces asparagine, which is neutral and polar, with isoleucine, which is neutral and non-polar, at codon 118 of the SIK1 protein (p.Asn118Ile). This variant is not present in population databases (gnomAD no frequency). This variant has not been reported in the literature in individuals affected with SIK1-related conditions. Advanced modeling of protein sequence and biophysical properties (such as structural, functional, and spatial information, amino acid conservation, physicochemical variation, residue mobility, and thermodynamic stability) performed at Invitae indicates that this missense variant is not expected to disrupt SIK1 protein function. In summary, the available evidence is currently insufficient to determine the role of this variant in disease. Therefore, it has been classified as a Variant of Uncertain Significance.

NM_173354.5(SIK1):c.353A>T (p.Asn118Ile)

Gene: SIK1 (salt inducible kinase 1; minus strand). Cytogenetic location: 21q22.3.
Variant type: single nucleotide variant.
Coding change: c.353A>T on transcript NM_173354.5 (MANE Select); coding-DNA position 353, A replaced by T.
Protein change: p.Asn118Ile; replaces asparagine 118 with isoleucine.
Molecular consequence: missense variant.
Genome position (GRCh38, 1-based): chr21:43,421,784, T>A on the plus strand (A>T on the coding strand, the complement: SIK1 is on the minus strand). VCF-style: chr21-43421784-T-A. GRCh37 (hg19) VCF-style: chr21-44841664-T-A.
Other names: short protein forms N118I.
Identifiers: ClinVar variation 1717596 (VCV001717596.6), dbSNP rs2516967831, ClinGen allele CA410610398.